The following is an entry in ClinVar:

NM_000433.4(NCF2):c.613G>A (p.Val205Met)

Gene: NCF2 (neutrophil cytosolic factor 2; minus strand). Cytogenetic location: 1q25.3.
Variant type: single nucleotide variant.
Coding change: c.613G>A on transcript NM_000433.4 (MANE Select); coding-DNA position 613, G replaced by A.
Protein change: p.Val205Met; replaces valine 205 with methionine.
Molecular consequence: missense variant.
Genome position (GRCh38, 1-based): chr1:183,570,836, C>T on the plus strand (G>A on the coding strand, the complement: NCF2 is on the minus strand). VCF-style: chr1-183570836-C-T. GRCh37 (hg19) VCF-style: chr1-183539971-C-T.
Other names: c.613G>A, p.Val205Met (NM_001127651.3); c.370G>A, p.Val124Met (NM_001190789.2); c.478G>A, p.Val160Met (NM_001190794.2); short protein forms V205M, V160M, V124M.
Identifiers: ClinVar variation 1487542 (VCV001487542.36), dbSNP rs761985515, ClinGen allele CA1284895.

ClinVar aggregate classification (germline): Uncertain significance. Review status: criteria provided, multiple submitters, no conflicts (2 of 4 stars). 2 submissions from 2 submitters: Uncertain significance (2). Last evaluated 2022-02-01.

Conditions:
Granulomatous disease, chronic, autosomal recessive, cytochrome b-positive, type 2. Also called: Chronic Granulomatous Disease, Autosomal Recessive, Cytochrome b-Positive, Type II; CGD, AUTOSOMAL RECESSIVE CYTOCHROME b-POSITIVE, TYPE II; GRANULOMATOUS DISEASE, CHRONIC, AUTOSOMAL RECESSIVE, 2; Chronic granulomatous disease due to deficiency of NCF-2; GRANULOMATOUS DISEASE, CHRONIC, DUE TO NCF2 DEFICIENCY. Identifiers: Orphanet 379, MedGen C1856245, MONDO:0009310, OMIM 233710.

Allele frequency attached by ClinVar (database versions not stated): TOPMed below 0.00001; gnomAD 0.00001; ExAC 0.00002; gnomAD exomes 0.00002 and 0.00004.

Submissions (2):

CeGaT Center for Human Genetics Tuebingen
Classification: Uncertain significance. Last evaluated: 2022-02-01. Review status: criteria provided, single submitter. Criteria: CeGaT Center For Human Genetics Tuebingen Variant Classification Criteria Version 2. Collection method: clinical testing. Allele origin: germline. Affected: yes. Observed: 1 variant allele.

Labcorp Genetics (formerly Invitae), Labcorp
Classification: Uncertain significance for Granulomatous disease, chronic, autosomal recessive, cytochrome b-positive, type 2. Last evaluated: 2021-09-01. Review status: criteria provided, single submitter. Criteria: Invitae Variant Classification Sherloc (09022015). Collection method: clinical testing. Allele origin: germline.
Comment: This sequence change replaces valine with methionine at codon 205 of the NCF2 protein (p.Val205Met). The valine residue is highly conserved and there is a small physicochemical difference between valine and methionine. This variant is present in population databases (rs761985515, ExAC 0.01%). This variant has not been reported in the literature in individuals affected with NCF2-related conditions. Algorithms developed to predict the effect of missense changes on protein structure and function are either unavailable or do not agree on the potential impact of this missense change (SIFT: "Deleterious"; PolyPhen-2: "Probably Damaging"; Align-GVGD: "Class C0"). In summary, the available evidence is currently insufficient to determine the role of this variant in disease. Therefore, it has been classified as a Variant of Uncertain Significance.